The following is an entry in ClinVar:

ClinVar aggregate classification (germline): Uncertain significance (1 of 4 stars; one submission).

Conditions:
Familial hypobetalipoproteinemia 1. Also called: Hypobetalipoproteinemia, normotriglyceridemic; Acanthocytosis with hypobetalipoproteinemia; APOB-Related Familial Hypobetalipoproteinemia. Identifiers: MedGen C4551990, MONDO:0014252, OMIM 615558.
Hypercholesterolemia, autosomal dominant, type B (FHCL2). Also called: Familial Hypercholesterolemia Type B; HYPERCHOLESTEROLEMIA, FAMILIAL, DUE TO LIGAND-DEFECTIVE APOLIPOPROTEIN B; Familial hypercholesterolemia 2; APOB-Related Familial Hypercholesterolemia, Autosomal Dominant; APOLIPOPROTEIN B-100, FAMILIAL DEFECTIVE; APOLIPOPROTEIN B-100, FAMILIAL LIGAND-DEFECTIVE. Identifiers: MedGen C1704417, MONDO:0007751, OMIM 144010.

Allele frequency attached by ClinVar (database versions not stated): ExAC 0.00001.
gnomAD v4.1: 2 of 1,614,018 alleles (0.00012%); highest among the groups gnomAD compares: Non-Finnish European, 0.00017%; no homozygotes.

Submission:

Labcorp Genetics (formerly Invitae), Labcorp
Classification: Uncertain significance for Familial hypobetalipoproteinemia 1; Hypercholesterolemia, autosomal dominant, type B. Last evaluated: 2019-10-08. Review status: criteria provided, single submitter. Criteria: Invitae Variant Classification Sherloc (09022015). Collection method: clinical testing. Allele origin: germline.
Comment: In summary, the available evidence is currently insufficient to determine the role of this variant in disease. Therefore, it has been classified as a Variant of Uncertain Significance. Algorithms developed to predict the effect of missense changes on protein structure and function output the following: SIFT: "Tolerated"; PolyPhen-2: "Benign"; Align-GVGD: "Class C0". The threonine amino acid residue is found in multiple mammalian species, suggesting that this missense change does not adversely affect protein function. These predictions have not been confirmed by published functional studies and their clinical significance is uncertain. This variant has not been reported in the literature in individuals with APOB-related conditions. This variant is present in population databases (rs780752349, ExAC 0.002%). This sequence change replaces isoleucine with threonine at codon 4393 of the APOB protein (p.Ile4393Thr). The isoleucine residue is weakly conserved and there is a moderate physicochemical difference between isoleucine and threonine.

NM_000384.3(APOB):c.13178T>C (p.Ile4393Thr)

Gene: APOB (apolipoprotein B; minus strand). Cytogenetic location: 2p24.1.
Variant type: single nucleotide variant.
Coding change: c.13178T>C on transcript NM_000384.3 (MANE Select); coding-DNA position 13178, T replaced by C.
Protein change: p.Ile4393Thr; replaces isoleucine 4393 with threonine.
Molecular consequence: missense variant.
Genome position (GRCh38, 1-based): chr2:21,002,244, A>G on the plus strand (T>C on the coding strand, the complement: APOB is on the minus strand). VCF-style: chr2-21002244-A-G. GRCh37 (hg19) VCF-style: chr2-21225116-A-G.
Other names: short protein forms I4393T.
Identifiers: ClinVar variation 920523 (VCV000920523.13), dbSNP rs780752349, ClinGen allele CA052086.
Genomic context (GRCh38, chr2:21,002,244, plus strand): 5'-TTCTTGATCAGACTGACTATCTTTTCTTCAAGTTCATAATATTTCACTGTCCAGCCAACT[A>G]TACTTGGATCAAAATATTCTTCACGAAGGGCCATAATGTATTGATGGATCTGCTGTAACT-3'
Protein context (NP_000375.3, residues 4383-4403): ALREEYFDPS[Ile4393Thr]VGWTVKYYEL